The following is an entry in ClinVar:

NM_001148.6(ANK2):c.3543C>T (p.Ala1181=)

Gene: ANK2 (ankyrin 2; plus strand). Cytogenetic location: 4q26.
Variant type: single nucleotide variant.
Coding change: c.3543C>T on transcript NM_001148.6 (MANE Select); coding-DNA position 3543, C replaced by T.
Protein change: p.Ala1181=; no amino-acid change (alanine 1181 retained).
Molecular consequence: synonymous variant. On other transcripts: 5 prime UTR variant (2).
Genome position (GRCh38, 1-based): chr4:113,336,009, C>T. VCF-style: chr4-113336009-C-T. GRCh37 (hg19) VCF-style: chr4-114257165-C-T.
Other names: p.Ala1181=; c.3516C>T, p.Ala1172= (NM_001127493.3); c.3555C>T, p.Ala1185= (NM_001354225.2); c.3444C>T, p.Ala1148= (NM_001354228.2, NM_001354258.2); c.3522C>T, p.Ala1174= (NM_001354230.2); c.3585C>T, p.Ala1195= (NM_001354231.2, NM_001354242.2); c.3579C>T, p.Ala1193= (NM_001354232.2); c.3540C>T, p.Ala1180= (NM_001354235.2, NM_001354246.2, NM_001354265.2); and 33 more.
Identifiers: ClinVar variation 238578 (VCV000238578.57), dbSNP rs76685232, ClinGen allele CA3050860.

ClinVar aggregate classification (germline): Benign/Likely benign. Review status: criteria provided, multiple submitters, no conflicts (2 of 4 stars). 14 submissions from 14 submitters: Benign (7); Likely benign (4). 3 of the submissions do not count toward it. Last evaluated 2026-02-01.

Conditions:
Cardiovascular phenotype. Identifiers: MedGen CN230736.
Long QT syndrome (LQTS). Identifiers: MedGen C0023976, MeSH D008133, MONDO:0002442. Disease mechanism: loss of function. Inheritance: Various modes of inheritance.
Cardiac arrhythmia, ankyrin-B-related. Also called: ANKYRIN-B SYNDROME. Identifiers: Orphanet 101016, Orphanet 768, MedGen C1970119, MONDO:0010958, OMIM 600919.

Allele frequency attached by ClinVar (database versions not stated): gnomAD 0.00259 and 0.00265; ESP Exome Variant Server 0.00261; 1000 Genomes Project 30x 0.00265; TOPMed 0.00303; gnomAD exomes 0.00061 and 0.00139; ExAC 0.00146; 1000 Genomes Project 0.00220.
gnomAD v4.1: 1,320 of 1,614,100 alleles (0.082%); highest among the groups gnomAD compares: African/African-American, 0.83%; 11 homozygotes.

Submissions (14):

Labcorp Genetics (formerly Invitae), Labcorp
Classification: Benign for Long QT syndrome. Last evaluated: 2026-02-01. Review status: criteria provided, single submitter. Criteria: Invitae Variant Classification Sherloc (09022015). Collection method: clinical testing. Allele origin: germline.

Molecular Diagnostic Laboratory for Inherited Cardiovascular Disease, Montreal Heart Institute
Classification: Benign. Last evaluated: 2025-07-24. Review status: criteria provided, single submitter. Criteria: ACMG Guidelines, 2015. Collection method: clinical testing. Allele origin: germline. Affected: no.

Blueprint Genetics
Classification: Likely benign. Last evaluated: 2024-10-21. Review status: criteria provided, single submitter. Criteria: ACMG Guidelines, 2015. Collection method: clinical testing. Allele origin: germline.

CeGaT Center for Human Genetics Tuebingen
Classification: Likely benign. Last evaluated: 2024-09-01. Review status: criteria provided, single submitter. Criteria: CeGaT Center For Human Genetics Tuebingen Variant Classification Criteria Version 2. Collection method: clinical testing. Allele origin: germline. Affected: yes. Observed: 4 variant alleles.
Comment: ANK2: BP4, BP7

Genome-Nilou Lab
Classification: Benign for Cardiac arrhythmia, ankyrin-B-related. Last evaluated: 2021-12-05. Review status: criteria provided, single submitter. Criteria: ACMG Guidelines, 2015. Collection method: clinical testing. Allele origin: germline. Affected: no.

Mayo Clinic Laboratories, Mayo Clinic
Classification: Benign. Last evaluated: 2019-01-22. Review status: criteria provided, single submitter. Criteria: ACMG Guidelines, 2015. Collection method: clinical testing. Allele origin: germline. Observed: 5 variant alleles.

Illumina Laboratory Services, Illumina
Classification: Likely benign for Cardiac arrhythmia, ankyrin-B-related. Last evaluated: 2018-01-12. Review status: criteria provided, single submitter. Criteria: ICSL Variant Classification Criteria 13 December 2019. Collection method: clinical testing. Allele origin: germline.
Comment: This variant was observed in the ICSL laboratory as part of a predisposition screen in an ostensibly healthy population. It had not been previously curated by ICSL or reported in the Human Gene Mutation Database (HGMD: prior to June 1st, 2018), and was therefore a candidate for classification through an automated scoring system. Utilizing variant allele frequency, disease prevalence and penetrance estimates, and inheritance mode, an automated score was calculated to assess if this variant is too frequent to cause the disease. Based on the score and internal cut-off values, a variant classified as likely benign is not then subjected to further curation. The score for this variant resulted in a classification of likely benign for this disease.

ARUP Laboratories, Molecular Genetics and Genomics, ARUP Laboratories
Classification: Benign. Last evaluated: 2017-12-12. Review status: criteria provided, single submitter. Criteria: ARUP Molecular Germline Variant Investigation Process. Collection method: clinical testing. Allele origin: germline.

Ambry Genetics
Classification: Likely benign for Cardiovascular phenotype. Last evaluated: 2017-08-31. Review status: criteria provided, single submitter. Criteria: Ambry Variant Classification Scheme 2023. Collection method: clinical testing. Allele origin: germline.

Women's Health and Genetics/Laboratory Corporation of America, LabCorp
Classification: Benign. Last evaluated: 2016-04-04. Review status: criteria provided, single submitter. Criteria: LabCorp Variant Classification Summary - May 2015. Collection method: clinical testing. Allele origin: germline.
Comment: Variant summary: The vriant affects a non-conserved nucleotide and results in synonymous mutation. Mutation taster predicts a disease causing outcome for this change while 5/5 in silico tools via Alamut predict no impact on splicing. The variant was observed in the large and broad cohorts of the NHLBI-ES and ExAC projects at an allele frequency of 0.15% which greatly exceeds (~150 times) the maximal expected allele frequency of a disease causing ANK2 allele (0.001%), strongly supporting a benign nature for the variant. Based on the high allele frequency in the general population, the variant was classified as Benign.

GeneDx
Classification: Benign. Last evaluated: 2015-03-03. Review status: criteria provided, single submitter. Criteria: GeneDx Variant Classification Process June 2021. Collection method: clinical testing. Allele origin: germline. Affected: yes.

Clinical Genetics, Academic Medical Center
Classification: Benign. Review status: no assertion criteria provided. Collection method: clinical testing. Allele origin: germline. Affected: yes. Study: VKGL Data-share Consensus. Not counted in ClinVar's aggregate classification.

Genome Diagnostics Laboratory, University Medical Center Utrecht
Classification: Benign. Review status: no assertion criteria provided. Collection method: clinical testing. Allele origin: germline. Affected: yes. Study: VKGL Data-share Consensus. Not counted in ClinVar's aggregate classification.

Joint Genome Diagnostic Labs from Nijmegen and Maastricht, Radboudumc and MUMC+
Classification: Benign. Review status: no assertion criteria provided. Collection method: clinical testing. Allele origin: germline. Affected: yes. Study: VKGL Data-share Consensus. Not counted in ClinVar's aggregate classification.